The following is an entry in ClinVar:

NM_004336.5(BUB1):c.2347G>T (p.Gly783Cys)

Gene: BUB1 (BUB1 mitotic checkpoint serine/threonine kinase; minus strand). Cytogenetic location: 2q13.
Variant type: single nucleotide variant.
Coding change: c.2347G>T on transcript NM_004336.5 (MANE Select); coding-DNA position 2347, G replaced by T.
Protein change: p.Gly783Cys; replaces glycine 783 with cysteine.
Molecular consequence: missense variant.
Genome position (GRCh38, 1-based): chr2:110,649,234, C>A on the plus strand (G>T on the coding strand, the complement: BUB1 is on the minus strand). VCF-style: chr2-110649234-C-A. GRCh37 (hg19) VCF-style: chr2-111406811-C-A.
Other names: c.2287G>T, p.Gly763Cys (NM_001278616.2); c.2347G>T, p.Gly783Cys (NM_001278617.2); short protein forms G783C, G763C.
Identifiers: ClinVar variation 3646694 (VCV003646694.2).

ClinVar aggregate classification (germline): Uncertain significance (1 of 4 stars; one submission).

gnomAD v4.1: 2 of 1,600,634 alleles (0.00012%); highest among the groups gnomAD compares: Non-Finnish European, 0.00017%; no homozygotes.

Submission:

Labcorp Genetics (formerly Invitae), Labcorp
Classification: Uncertain significance. Last evaluated: 2024-03-26. Review status: criteria provided, single submitter. Criteria: Invitae Variant Classification Sherloc (09022015). Collection method: clinical testing. Allele origin: germline.
Comment: This sequence change replaces glycine, which is neutral and non-polar, with cysteine, which is neutral and slightly polar, at codon 783 of the BUB1 protein (p.Gly783Cys). This variant also falls at the last nucleotide of exon 19, which is part of the consensus splice site for this exon. This variant is not present in population databases (gnomAD no frequency). This variant has not been reported in the literature in individuals affected with BUB1-related conditions. Experimental studies and prediction algorithms are not available or were not evaluated, and the functional significance of this variant is currently unknown. Variants that disrupt the consensus splice site are a relatively common cause of aberrant splicing (PMID: 17576681, 9536098). Algorithms developed to predict the effect of sequence changes on RNA splicing suggest that this variant may disrupt the consensus splice site. In summary, the available evidence is currently insufficient to determine the role of this variant in disease. Therefore, it has been classified as a Variant of Uncertain Significance.

Literature cited by the submitters: PubMed 17576681; PubMed 9536098.